The following is an entry in ClinVar:

ClinVar aggregate classification (germline): Uncertain significance. Review status: criteria provided, multiple submitters, no conflicts (2 of 4 stars). 2 submissions from 2 submitters: Uncertain significance (2). Last evaluated 2024-07-25.

Conditions:
Short QT syndrome type 3. Identifiers: Orphanet 51083, MedGen C1865018, MONDO:0012314, OMIM 609622.
Andersen Tawil syndrome (LQT7). Also called: LONG QT SYNDROME 7; PERIODIC PARALYSIS, POTASSIUM-SENSITIVE CARDIODYSRHYTHMIC TYPE; Andersen Syndrome; ANDERSEN CARDIODYSRHYTHMIC PERIODIC PARALYSIS; Potassium-sensitive periodic paralysis, ventricular ectopy, and dysmorphic features. Identifiers: Orphanet 37553, MedGen C1563715, MONDO:0008222, OMIM 170390.

Allele frequency attached by ClinVar (database versions not stated): gnomAD exomes 0.00001.

Submissions (2):

Labcorp Genetics (formerly Invitae), Labcorp
Classification: Uncertain significance for Short QT syndrome type 3; Andersen Tawil syndrome. Last evaluated: 2024-07-25. Review status: criteria provided, single submitter. Criteria: Invitae Variant Classification Sherloc (09022015). Collection method: clinical testing. Allele origin: germline.
Comment: This sequence change replaces isoleucine, which is neutral and non-polar, with threonine, which is neutral and polar, at codon 248 of the KCNJ2 protein (p.Ile248Thr). This variant is present in population databases (no rsID available, gnomAD 0.006%). This variant has not been reported in the literature in individuals affected with KCNJ2-related conditions. ClinVar contains an entry for this variant (Variation ID: 2184003). Advanced modeling of protein sequence and biophysical properties (such as structural, functional, and spatial information, amino acid conservation, physicochemical variation, residue mobility, and thermodynamic stability) performed at Invitae indicates that this missense variant is not expected to disrupt KCNJ2 protein function with a negative predictive value of 80%. In summary, the available evidence is currently insufficient to determine the role of this variant in disease. Therefore, it has been classified as a Variant of Uncertain Significance.

Women's Health and Genetics/Laboratory Corporation of America, LabCorp
Classification: Uncertain significance. Last evaluated: 2024-02-25. Review status: criteria provided, single submitter. Criteria: LabCorp Variant Classification Summary - May 2015. Collection method: clinical testing. Allele origin: germline.

NM_000891.3(KCNJ2):c.743T>C (p.Ile248Thr)

Gene: KCNJ2 (potassium inwardly rectifying channel subfamily J member 2; plus strand). Cytogenetic location: 17q24.3.
Variant type: single nucleotide variant.
Coding change: c.743T>C on transcript NM_000891.3 (MANE Select); coding-DNA position 743, T replaced by C.
Protein change: p.Ile248Thr; replaces isoleucine 248 with threonine.
Molecular consequence: missense variant.
Genome position (GRCh38, 1-based): chr17:70,175,782, T>C. VCF-style: chr17-70175782-T-C. GRCh37 (hg19) VCF-style: chr17-68171923-T-C.
Other names: short protein forms I248T.
Identifiers: ClinVar variation 2184003 (VCV002184003.4), dbSNP rs1489055848, ClinGen allele CA400861895.